The following is an entry in ClinVar:

NM_201384.3(PLEC):c.8092A>G (p.Ile2698Val)

Gene: PLEC (plectin; minus strand). Cytogenetic location: 8q24.3.
Variant type: single nucleotide variant.
Coding change: c.8092A>G on transcript NM_201384.3 (MANE Select); coding-DNA position 8092, A replaced by G.
Protein change: p.Ile2698Val; replaces isoleucine 2698 with valine.
Molecular consequence: missense variant.
Genome position (GRCh38, 1-based): chr8:143,921,729, T>C on the plus strand (A>G on the coding strand, the complement: PLEC is on the minus strand). VCF-style: chr8-143921729-T-C. GRCh37 (hg19) VCF-style: chr8-144995897-T-C.
Other names: c.8173A>G, p.Ile2725Val (NM_000445.5); c.8050A>G, p.Ile2684Val (NM_201378.4); c.8026A>G, p.Ile2676Val (NM_201379.3); c.8503A>G, p.Ile2835Val (NM_201380.4); c.7996A>G, p.Ile2666Val (NM_201381.3); c.8092A>G, p.Ile2698Val (NM_201382.4); c.8104A>G, p.Ile2702Val (NM_201383.3); short protein forms I2676V, I2684V, I2666V, I2702V, I2725V, I2835V, I2698V.
Identifiers: ClinVar variation 568899 (VCV000568899.7), dbSNP rs1473847985, ClinGen allele CA372519478.

ClinVar aggregate classification (germline): Uncertain significance (1 of 4 stars; one submission).

Conditions:
Epidermolysis bullosa simplex 5C, with pyloric atresia (EBS5C). Also called: PLEC-Related Epidermolysis Bullosa with Pyloric Atresia; Epidermolysis bullosa simplex with pyloric atresia; PLEC1-Related Epidermolysis Bullosa with Pyloric Atresia. Identifiers: Orphanet 158684, MedGen C2677349, MONDO:0012807, OMIM 612138.
Epidermolysis bullosa simplex with nail dystrophy (EBS5D). Identifiers: MedGen C4225309, MONDO:0014661, OMIM 616487.
Epidermolysis bullosa simplex 5B, with muscular dystrophy (EBS5B). Also called: Epidermolysis bullosa simplex with muscular dystrophy; EPIDERMOLYSIS BULLOSA SIMPLEX AND LIMB-GIRDLE MUSCULAR DYSTROPHY. Identifiers: Orphanet 257, MedGen C2931072, MONDO:0009181, OMIM 226670.
Autosomal recessive limb-girdle muscular dystrophy type 2Q (LGMDR17). Also called: MUSCULAR DYSTROPHY, LIMB-GIRDLE, AUTOSOMAL RECESSIVE 17. Identifiers: Orphanet 254361, MedGen C3150989, MONDO:0013390, OMIM 613723.
Epidermolysis bullosa simplex, Ogna type (EBS5A). Also called: Pidermolysis bullosa simplex 5A, Ogna type; EPIDERMOLYSIS BULLOSA SIMPLEX 5A, OGNA TYPE. Identifiers: Orphanet 79401, MedGen C0432317, MONDO:0007555, OMIM 131950.

Allele frequency attached by ClinVar (database versions not stated): gnomAD 0.00002; TOPMed 0.00005.
gnomAD v4.1: 11 of 1,612,734 alleles (0.00068%); highest among the groups gnomAD compares: African/African-American, 0.004%; no homozygotes.

Submission:

Labcorp Genetics (formerly Invitae), Labcorp
Classification: Uncertain significance for Autosomal recessive limb-girdle muscular dystrophy type 2Q; Epidermolysis bullosa simplex, Ogna type; Epidermolysis bullosa simplex with nail dystrophy; Epidermolysis bullosa simplex 5C, with pyloric atresia; Epidermolysis bullosa simplex 5B, with muscular dystrophy. Last evaluated: 2022-06-04. Review status: criteria provided, single submitter. Criteria: Invitae Variant Classification Sherloc (09022015). Collection method: clinical testing. Allele origin: germline.
Comment: In summary, the available evidence is currently insufficient to determine the role of this variant in disease. Therefore, it has been classified as a Variant of Uncertain Significance. Algorithms developed to predict the effect of missense changes on protein structure and function output the following: SIFT: "Tolerated"; PolyPhen-2: "Benign"; Align-GVGD: "Class C0". The valine amino acid residue is found in multiple mammalian species, which suggests that this missense change does not adversely affect protein function. ClinVar contains an entry for this variant (Variation ID: 568899). This missense change has been observed in individual(s) with clinical features of limb-girdle muscular dystrophy (Invitae). This variant is present in population databases (no rsID available, gnomAD 0.01%). This sequence change replaces isoleucine, which is neutral and non-polar, with valine, which is neutral and non-polar, at codon 2725 of the PLEC protein (p.Ile2725Val).